The following is an entry in ClinVar:

NM_152703.5(SAMD9L):c.4193A>C (p.Lys1398Thr)

Gene: SAMD9L (sterile alpha motif domain containing 9 like; minus strand). Cytogenetic location: 7q21.2.
Variant type: single nucleotide variant.
Coding change: c.4193A>C on transcript NM_152703.5 (MANE Select); coding-DNA position 4193, A replaced by C.
Protein change: p.Lys1398Thr; replaces lysine 1398 with threonine.
Molecular consequence: missense variant.
Genome position (GRCh38, 1-based): chr7:93,131,779, T>G on the plus strand (A>C on the coding strand, the complement: SAMD9L is on the minus strand). VCF-style: chr7-93131779-T-G. GRCh37 (hg19) VCF-style: chr7-92761092-T-G.
Other names: c.4193A>C, p.Lys1398Thr (NM_001303496.3, NM_001303497.3, NM_001303498.3 and 5 more transcripts); c.4193A>C (NM_152703.2); short protein forms K1398T.
Identifiers: ClinVar variation 2988950 (VCV002988950.5), dbSNP rs769206388, ClinGen allele CA4343347.
Genomic context (GRCh38, chr7:93,131,779, plus strand): 5'-CCTACAAATTGCAAGACCTCTCGGAGTTGTTTTTTTAGCGTGGTAAGTGGTTGAATTAAC[T>G]TGGAGTTGGGCTTTAGACAACTCAGAATAATGTTGGCCAAAATGGAATTTTGTTTCTCAT-3'
Protein context (NP_689916.2, residues 1388-1408): IILSCLKPNS[Lys1398Thr]LIQPLTTLKK

ClinVar aggregate classification (germline): Uncertain significance. Review status: criteria provided, multiple submitters, no conflicts (2 of 4 stars). 2 submissions from 2 submitters: Uncertain significance (2). Last evaluated 2026-06-13.

Conditions:
Inborn genetic diseases. Identifiers: MedGen C0950123, MeSH D030342.

Allele frequency attached by ClinVar (database versions not stated): ExAC 0.00004.
gnomAD v4.1: 11 of 1,613,516 alleles (0.00068%); highest among the groups gnomAD compares: South Asian, 0.012%; no homozygotes.

Submissions (2):

Ambry Genetics
Classification: Uncertain significance for Inborn genetic diseases. Last evaluated: 2026-06-13. Review status: criteria provided, single submitter. Criteria: Ambry Variant Classification Scheme 2023. Collection method: clinical testing. Allele origin: germline.
Comment: The p.K1398T variant (also known as c.4193A>C), located in coding exon 1 of the SAMD9L gene, results from an A to C substitution at nucleotide position 4193. The lysine at codon 1398 is replaced by threonine, an amino acid with similar properties. This amino acid position is conserved. In addition, this alteration is predicted to be tolerated by in silico analysis. Based on the available evidence, the clinical significance of this variant remains unclear.

Labcorp Genetics (formerly Invitae), Labcorp
Classification: Uncertain significance. Last evaluated: 2022-12-13. Review status: criteria provided, single submitter. Criteria: Invitae Variant Classification Sherloc (09022015). Collection method: clinical testing. Allele origin: germline.
Comment: This sequence change replaces lysine, which is basic and polar, with threonine, which is neutral and polar, at codon 1398 of the SAMD9L protein (p.Lys1398Thr). In summary, the available evidence is currently insufficient to determine the role of this variant in disease. Therefore, it has been classified as a Variant of Uncertain Significance. Advanced modeling of protein sequence and biophysical properties (such as structural, functional, and spatial information, amino acid conservation, physicochemical variation, residue mobility, and thermodynamic stability) performed at Invitae indicates that this missense variant is not expected to disrupt SAMD9L protein function. This variant has not been reported in the literature in individuals affected with SAMD9L-related conditions. This variant is present in population databases (rs769206388, gnomAD 0.02%).